The following is an entry in ClinVar:

NM_033026.6(PCLO):c.11995G>C (p.Val3999Leu)

Gene: PCLO (piccolo presynaptic cytomatrix protein; minus strand). Cytogenetic location: 7q21.11.
Variant type: single nucleotide variant.
Coding change: c.11995G>C on transcript NM_033026.6 (MANE Select); coding-DNA position 11995, G replaced by C.
Protein change: p.Val3999Leu; replaces valine 3999 with leucine.
Molecular consequence: missense variant.
Genome position (GRCh38, 1-based): chr7:82,915,991, C>G on the plus strand (G>C on the coding strand, the complement: PCLO is on the minus strand). VCF-style: chr7-82915991-C-G. GRCh37 (hg19) VCF-style: chr7-82545307-C-G.
Other names: c.11995G>C, p.Val3999Leu (NM_014510.3); c.11995G>C (NM_033026.5); short protein forms V3999L.
Identifiers: ClinVar variation 2172560 (VCV002172560.2), dbSNP rs371947620, ClinGen allele CA4319464.

ClinVar aggregate classification (germline): Uncertain significance. Review status: criteria provided, multiple submitters, no conflicts (2 of 4 stars). 2 submissions from 2 submitters: Uncertain significance (2). Last evaluated 2025-08-04.

Conditions:
Inborn genetic diseases. Identifiers: MedGen C0950123, MeSH D030342.

gnomAD v4.1: 39 of 1,612,688 alleles (0.0024%); highest among the groups gnomAD compares: African/African-American, 0.049%; no homozygotes.

Submissions (2):

Ambry Genetics
Classification: Uncertain significance for Inborn genetic diseases. Last evaluated: 2025-08-04. Review status: criteria provided, single submitter. Criteria: Ambry Variant Classification Scheme 2023. Collection method: clinical testing. Allele origin: germline.

Labcorp Genetics (formerly Invitae), Labcorp
Classification: Uncertain significance. Last evaluated: 2022-03-04. Review status: criteria provided, single submitter. Criteria: Invitae Variant Classification Sherloc (09022015). Collection method: clinical testing. Allele origin: germline.
Comment: This sequence change replaces valine, which is neutral and non-polar, with leucine, which is neutral and non-polar, at codon 3999 of the PCLO protein (p.Val3999Leu). This variant is present in population databases (rs371947620, gnomAD 0.03%). This variant has not been reported in the literature in individuals affected with PCLO-related conditions. Algorithms developed to predict the effect of missense changes on protein structure and function are either unavailable or do not agree on the potential impact of this missense change (SIFT: "Deleterious"; PolyPhen-2: "Not Available"; Align-GVGD: "Class C0"). In summary, the available evidence is currently insufficient to determine the role of this variant in disease. Therefore, it has been classified as a Variant of Uncertain Significance.